The following is an entry in ClinVar:

ClinVar aggregate classification (germline): Uncertain significance. Review status: criteria provided, multiple submitters, no conflicts (2 of 4 stars). 2 submissions from 2 submitters: Uncertain significance (2). Last evaluated 2025-06-15.

Conditions:
Inborn genetic diseases. Identifiers: MedGen C0950123, MeSH D030342.

Allele frequency attached by ClinVar (database versions not stated): gnomAD 0.00001; gnomAD exomes 0.00001; TOPMed 0.00002.
gnomAD v4.1: 19 of 1,614,074 alleles (0.0012%); highest among the groups gnomAD compares: Non-Finnish European, 0.0015%; no homozygotes.

Submissions (2):

Labcorp Genetics (formerly Invitae), Labcorp
Classification: Uncertain significance. Last evaluated: 2025-06-15. Review status: criteria provided, single submitter. Criteria: Invitae Variant Classification Sherloc (09022015). Collection method: clinical testing. Allele origin: germline.
Comment: This sequence change replaces glutamine, which is neutral and polar, with arginine, which is basic and polar, at codon 1277 of the MYH3 protein (p.Gln1277Arg). This variant is present in population databases (no rsID available, gnomAD 0.0009%). This variant has not been reported in the literature in individuals affected with MYH3-related conditions. ClinVar contains an entry for this variant (Variation ID: 1912109). Invitae Evidence Modeling of protein sequence and biophysical properties (such as structural, functional, and spatial information, amino acid conservation, physicochemical variation, residue mobility, and thermodynamic stability) indicates that this missense variant is not expected to disrupt MYH3 protein function with a negative predictive value of 95%. In summary, the available evidence is currently insufficient to determine the role of this variant in disease. Therefore, it has been classified as a Variant of Uncertain Significance.

Ambry Genetics
Classification: Uncertain significance for Inborn genetic diseases. Last evaluated: 2023-05-04. Review status: criteria provided, single submitter. Criteria: Ambry Variant Classification Scheme 2023. Collection method: clinical testing. Allele origin: germline.

NM_002470.4(MYH3):c.3830A>G (p.Gln1277Arg)

Gene: MYH3 (myosin heavy chain 3; minus strand). Cytogenetic location: 17p13.1.
Variant type: single nucleotide variant.
Coding change: c.3830A>G on transcript NM_002470.4 (MANE Select); coding-DNA position 3830, A replaced by G.
Protein change: p.Gln1277Arg; replaces glutamine 1277 with arginine.
Molecular consequence: missense variant.
Genome position (GRCh38, 1-based): chr17:10,637,835, T>C on the plus strand (A>G on the coding strand, the complement: MYH3 is on the minus strand). VCF-style: chr17-10637835-T-C. GRCh37 (hg19) VCF-style: chr17-10541152-T-C.
Other names: c.3830A>G (NM_002470.3); short protein forms Q1277R.
Identifiers: ClinVar variation 1912109 (VCV001912109.7), dbSNP rs1329203346, ClinGen allele CA398149571.